The following is an entry in ClinVar:

ClinVar aggregate classification (germline): Pathogenic (1 of 4 stars; one submission).

Conditions:
Inborn genetic diseases. Identifiers: MedGen C0950123, MeSH D030342.

Submission:

Ambry Genetics
Classification: Pathogenic for Inborn genetic diseases. Last evaluated: 2021-09-13. Review status: criteria provided, single submitter. Criteria: Ambry Variant Classification Scheme 2023. Collection method: clinical testing. Allele origin: germline.
Comment: The c.524_527delACAG (p.D175Vfs*109) alteration, located in exon 6 (coding exon 6) of the PCYT2 gene, consists of a deletion of 4 nucleotides from position 524 to 527, causing a translational frameshift with a predicted alternate stop codon after 109 amino acids. This alteration is expected to result in loss of function by premature protein truncation or nonsense-mediated mRNA decay. Based on data from gnomAD, the alteration has an overall frequency of 0.001% (3/245,032) total alleles studied. The highest observed frequency was 0.003% (1/34,016) of Latino alleles. Based on the available evidence, this alteration is classified as pathogenic.

NM_002861.5(PCYT2):c.524_527del (p.Asp175fs)

Gene: PCYT2 (phosphate cytidylyltransferase 2, ethanolamine; minus strand). Cytogenetic location: 17q25.3.
Variant type: Deletion.
Coding change: c.524_527del on transcript NM_002861.5 (MANE Select); coding-DNA positions 524 to 527, 4 bases deleted (ACAG; older notation c.524_527delACAG).
Protein change: p.Asp175fs; shifts the reading frame from aspartic acid 175.
Molecular consequence: frameshift variant.
Genome position (GRCh38, 1-based): chr17:81,907,564-81,907,567, CTGT deleted on the plus strand (ACAG on the coding strand, the reverse complement: PCYT2 is on the minus strand); deleting any 4 consecutive bases within chr17:81,907,564-81,907,570 gives the same sequence; the c. name uses the placement nearest the transcript's 3' end. VCF-style (leftmost placement, unchanged base first): chr17-81907563-ACTGT-A. GRCh37 (hg19) VCF-style: chr17-79865439-ACTGT-A.
Other names: c.524_527del, p.Asp175fs (NM_001184917.3, NM_001330518.2); c.362_365del, p.Asp121fs (NM_001256433.3); c.347_350del, p.Asp116fs (NM_001256434.3); c.290_293del, p.Asp97fs (NM_001256435.3, NM_001282203.2); c.428_431del, p.Asp143fs (NM_001282204.2); short protein forms D175fs, D116fs, D97fs, D121fs, D143fs.
Identifiers: ClinVar variation 2373369 (VCV002373369.2), dbSNP rs1365461027, ClinGen allele CA627786637.